The following is an entry in ClinVar:

ClinVar aggregate classification (germline): Uncertain significance. Review status: criteria provided, multiple submitters, no conflicts (2 of 4 stars). 3 submissions from 3 submitters: Uncertain significance (2). 1 of the submissions does not count toward it. Last evaluated 2025-04-15.

Conditions:
Inborn genetic diseases. Identifiers: MedGen C0950123, MeSH D030342.
Usher syndrome type 1C. Also called: USHER SYNDROME, TYPE I, ACADIAN VARIETY. Identifiers: Orphanet 231169, Orphanet 886, MedGen C1848604, MONDO:0010171, OMIM 276904.

Allele frequency attached by ClinVar (database versions not stated): gnomAD exomes below 0.00001; gnomAD 0.00001; TOPMed 0.00001.
gnomAD v4.1: 5 of 1,612,676 alleles (0.00031%); highest among the groups gnomAD compares: African/African-American, 0.0067%; no homozygotes.

Submissions (3):

Ambry Genetics
Classification: Uncertain significance for Inborn genetic diseases. Last evaluated: 2025-04-15. Review status: criteria provided, single submitter. Criteria: Ambry Variant Classification Scheme 2023. Collection method: clinical testing. Allele origin: germline.

Labcorp Genetics (formerly Invitae), Labcorp
Classification: Uncertain significance. Last evaluated: 2021-08-26. Review status: criteria provided, single submitter. Criteria: Invitae Variant Classification Sherloc (09022015). Collection method: clinical testing. Allele origin: germline.
Comment: This sequence change replaces leucine with isoleucine at codon 318 of the USH1C protein (p.Leu318Ile). The leucine residue is weakly conserved and there is a small physicochemical difference between leucine and isoleucine. This variant is not present in population databases (ExAC no frequency). This variant has not been reported in the literature in individuals affected with USH1C-related conditions. Algorithms developed to predict the effect of missense changes on protein structure and function (SIFT, PolyPhen-2, Align-GVGD) all suggest that this variant is likely to be tolerated. In summary, the available evidence is currently insufficient to determine the role of this variant in disease. Therefore, it has been classified as a Variant of Uncertain Significance.

Natera, Inc.
Classification: Uncertain significance for Usher syndrome type 1C. Last evaluated: 2021-04-28. Review status: no assertion criteria provided. Collection method: clinical testing. Allele origin: germline. Not counted in ClinVar's aggregate classification.

NM_153676.4(USH1C):c.952C>A (p.Leu318Ile)

Gene: USH1C (USH1 protein network component harmonin; minus strand). Cytogenetic location: 11p15.1.
Variant type: single nucleotide variant.
Coding change: c.952C>A on transcript NM_153676.4 (MANE Select); coding-DNA position 952, C replaced by A.
Protein change: p.Leu318Ile; replaces leucine 318 with isoleucine.
Molecular consequence: missense variant. On other transcripts: non-coding transcript variant (1).
Genome position (GRCh38, 1-based): chr11:17,522,851, G>T on the plus strand (C>A on the coding strand, the complement: USH1C is on the minus strand). VCF-style: chr11-17522851-G-T. GRCh37 (hg19) VCF-style: chr11-17544398-G-T.
Other names: c.895C>A, p.Leu299Ile (NM_001297764.2); c.952C>A, p.Leu318Ile (NM_005709.4); short protein forms L318I, L299I.
Identifiers: ClinVar variation 938962 (VCV000938962.9), dbSNP rs1392006029, ClinGen allele CA379787699.